The following is an entry in ClinVar:

ClinVar aggregate classification (germline): Likely benign (1 of 4 stars; one submission).

Conditions:
SH2B1-related disorder. Also called: SH2B1-related condition.

gnomAD v4.1: 11 of 1,605,250 alleles (0.00069%); highest among the groups gnomAD compares: Admixed American, 0.014%; no homozygotes.

Submission:

PreventionGenetics, part of Exact Sciences
Classification: Likely benign for SH2B1-related condition. Last evaluated: 2025-04-15. Review status: criteria provided, single submitter. Criteria: ACMG Guidelines, 2015. Collection method: clinical testing. Allele origin: germline.
Comment: This variant is classified as likely benign based on ACMG/AMP sequence variant interpretation guidelines (Richards et al. 2015 PMID: 25741868, with internal and published modifications).

NM_001387430.1(SH2B1):c.1898-170T>C

Gene: SH2B1 (SH2B adaptor protein 1; plus strand). Cytogenetic location: 16p11.2.
Variant type: single nucleotide variant.
Coding change: c.1898-170T>C on transcript NM_001387430.1 (MANE Select); 170 bases into the intron before coding-DNA position 1898, T replaced by C.
Molecular consequence: intron variant.
Genome position (GRCh38, 1-based): chr16:28,873,277, T>C. VCF-style: chr16-28873277-T-C. GRCh37 (hg19) VCF-style: chr16-28884598-T-C.
Other names: c.1898-170T>C (NM_001308293.2, NM_001387404.1, NM_001145795.2); c.1997+8T>C (NM_015503.3, NM_001145812.2, NM_001145796.2); c.2050+8T>C (NM_001145797.2); c.989+8T>C (NM_001308294.2).
Identifiers: ClinVar variation 4981339 (VCV004981339.1).
Genomic context (GRCh38, chr16:28,873,277, plus strand): 5'-TGCCACCCCGATGCCTCCTGCACCCTCATGCCCTTCGGAGCGAGTGACTGTGTGTAAGTG[T>C]GGTCCTCCTCTCACCACCGCCCATGATCCATCTTCCATGGATGGGGGGTTGCTCAGGAGA-3'